The following is an entry in ClinVar:

NM_001372044.2(SHANK3):c.2712C>T (p.Tyr904=)

Gene: SHANK3 (SH3 and multiple ankyrin repeat domains 3; plus strand). Cytogenetic location: 22q13.33.
Variant type: single nucleotide variant.
Coding change: c.2712C>T on transcript NM_001372044.2 (MANE Select); coding-DNA position 2712, C replaced by T.
Protein change: p.Tyr904=; no amino-acid change (tyrosine 904 retained).
Molecular consequence: synonymous variant.
Genome position (GRCh38, 1-based): chr22:50,720,320, C>T. VCF-style: chr22-50720320-C-T. GRCh37 (hg19) VCF-style: chr22-51158748-C-T.
Other names: c.2487C>T, p.Tyr829= (NM_033517.1).
Identifiers: ClinVar variation 2653420 (VCV002653420.24), dbSNP rs964050136, ClinGen allele CA325578052.
Genomic context (GRCh38, chr22:50,720,320, plus strand): 5'-GGGTCGCGGCATCCCGCCCCCGCCGCAGACCGCGCCGCCTCCCCCGCCCGCGCCCTACTA[C>T]TTCGACTCGGGGCCGCCCCCGGCCTTCTCGCCGCCGCCCCCGCCGGGCCGCGCCTACGAC-3'
Protein context (NP_001358973.1, residues 894-914): TAPPPPPAPY[Tyr904=]FDSGPPPAFS

ClinVar aggregate classification (germline): Likely benign (1 of 4 stars; one submission).

Allele frequency attached by ClinVar (database versions not stated): gnomAD 0.00002; TOPMed 0.00002.

Submission:

CeGaT Center for Human Genetics Tuebingen
Classification: Likely benign. Last evaluated: 2025-06-01. Review status: criteria provided, single submitter. Criteria: CeGaT Center For Human Genetics Tuebingen Variant Classification Criteria Version 2. Collection method: clinical testing. Allele origin: germline. Affected: yes. Observed: 1 variant allele.
Comment: SHANK3: BP4, BP7